The following is an entry in ClinVar:

ClinVar aggregate classification (germline): Uncertain significance (1 of 4 stars; one submission).

Submission:

GeneDx
Classification: Uncertain significance. Last evaluated: 2022-09-14. Review status: criteria provided, single submitter. Criteria: GeneDx Variant Classification Process June 2021. Collection method: clinical testing. Allele origin: germline. Affected: yes.
Comment: Not observed at significant frequency in large population cohorts (gnomAD); In silico analysis supports that this missense variant has a deleterious effect on protein structure/function; Has not been previously published as pathogenic or benign to our knowledge

NM_000093.5(COL5A1):c.1937G>A (p.Gly646Asp)

Gene: COL5A1 (collagen type V alpha 1 chain; plus strand). Cytogenetic location: 9q34.3.
Variant type: single nucleotide variant.
Coding change: c.1937G>A on transcript NM_000093.5 (MANE Select); coding-DNA position 1937, G replaced by A.
Protein change: p.Gly646Asp; replaces glycine 646 with aspartic acid.
Molecular consequence: missense variant.
Genome position (GRCh38, 1-based): chr9:134,761,926, G>A. VCF-style: chr9-134761926-G-A. GRCh37 (hg19) VCF-style: chr9-137653772-G-A.
Other names: c.1937G>A, p.Gly646Asp (NM_001278074.1); short protein forms G646D.
Identifiers: ClinVar variation 2444724 (VCV002444724.1), dbSNP rs2490647142, ClinGen allele CA375445902.